The following is an entry in ClinVar:

NM_000548.5(TSC2):c.3570G>A (p.Leu1190=)

Gene: TSC2 (TSC complex subunit 2; plus strand). Cytogenetic location: 16p13.3.
Variant type: single nucleotide variant.
Coding change: c.3570G>A on transcript NM_000548.5 (MANE Select); coding-DNA position 3570, G replaced by A.
Protein change: p.Leu1190=; no amino-acid change (leucine 1190 retained).
Molecular consequence: synonymous variant.
Genome position (GRCh38, 1-based): chr16:2,080,337, G>A. VCF-style: chr16-2080337-G-A. GRCh37 (hg19) VCF-style: chr16-2130338-G-A.
Other names: c.3438G>A, p.Leu1146= (NM_001077183.3, NM_001370404.1); c.3570G>A, p.Leu1190= (NM_001114382.3); c.3330G>A, p.Leu1110= (NM_001318827.2); c.3294G>A, p.Leu1098= (NM_001318829.2); c.2838G>A, p.Leu946= (NM_001318831.2); c.3471G>A, p.Leu1157= (NM_001318832.2); c.3441G>A, p.Leu1147= (NM_001363528.2, NM_001370405.1, NM_021055.3).
Identifiers: ClinVar variation 1113495 (VCV001113495.13), dbSNP rs1366398727, ClinGen allele CA493043114.
Genomic context (GRCh38, chr16:2,080,337, plus strand): 5'-AGCTGGCACCCGGGTTCCTGTGCAGGAGAAGACGAACCTGGCGGCCTATGTGCCCCTGCT[G>A]ACCCAGGGCTGGGCGGAGATCCTGGTCCGGAGGCCCACAGGTACTGGGCGGGGCTGGCCT-3'
Protein context (NP_000539.2, residues 1180-1200): KTNLAAYVPL[Leu1190=]TQGWAEILVR

ClinVar aggregate classification (germline): Benign/Likely benign. Review status: criteria provided, multiple submitters, no conflicts (2 of 4 stars). 5 submissions from 5 submitters: Benign (1); Likely benign (4). Last evaluated 2026-02-01.

Conditions:
Hereditary cancer-predisposing syndrome. Also called: Hereditary neoplastic syndrome; Tumor predisposition; Neoplastic Syndromes, Hereditary; Hereditary Cancer Syndrome. Identifiers: Orphanet 140162, MedGen C0027672, MeSH D009386, MONDO:0015356.
Tuberous sclerosis 2 (TSC2). Identifiers: Orphanet 805, MedGen C1860707, MONDO:0013199, OMIM 613254.
Tuberous sclerosis syndrome (TSC). Also called: Tuberous sclerosis; Tuberous Sclerosis Complex. Identifiers: Orphanet 805, MedGen C0041341, MONDO:0001734.

Allele frequency attached by ClinVar (database versions not stated): gnomAD exomes below 0.00001 and 0.00001; TOPMed below 0.00001.

Submissions (5):

Labcorp Genetics (formerly Invitae), Labcorp
Classification: Likely benign for Tuberous sclerosis 2. Last evaluated: 2026-02-01. Review status: criteria provided, single submitter. Criteria: Invitae Variant Classification Sherloc (09022015). Collection method: clinical testing. Allele origin: germline.

Myriad Genetics, Inc.
Classification: Benign for Tuberous sclerosis 2. Last evaluated: 2025-05-29. Review status: criteria provided, single submitter. Criteria: Myriad Autosomal Dominant, Autosomal Recessive and X-Linked Classification Criteria (2023). Collection method: clinical testing. Allele origin: unknown.
Comment: This variant is considered benign. This variant is a silent/synonymous amino acid change and it is not expected to impact splicing.

All of Us Research Program, National Institutes of Health
Classification: Likely benign for Tuberous sclerosis syndrome. Last evaluated: 2023-12-18. Review status: criteria provided, single submitter. Criteria: ACMG Guidelines, 2015. Collection method: clinical testing. Allele origin: germline. Inheritance: Autosomal dominant inheritance. Observed: 1 variant allele, 1 heterozygote.
Comment: This study involves interpretation of variants in research participants for the purpose of population health screening. Participant phenotype was not available at the time of variant classification. Additional details can be found in publication PMID: 35346344, PMCID: PMC8962531

Color Diagnostics, LLC DBA Color Health
Classification: Likely benign for Tuberous sclerosis syndrome. Last evaluated: 2023-11-29. Review status: criteria provided, single submitter. Criteria: ACMG Guidelines, 2015. Collection method: clinical testing. Allele origin: germline.

Ambry Genetics
Classification: Likely benign for Hereditary cancer-predisposing syndrome. Last evaluated: 2020-03-02. Review status: criteria provided, single submitter. Criteria: Ambry Variant Classification Scheme 2023. Collection method: clinical testing. Allele origin: germline.